The following is an entry in ClinVar:

ClinVar aggregate classification (germline): Likely benign. Review status: criteria provided, multiple submitters, no conflicts (2 of 4 stars). 4 submissions from 4 submitters: Likely benign (3). 1 of the submissions does not count toward it. Last evaluated 2026-03-01.

Conditions:
Joubert syndrome. Also called: Familial aplasia of the vermis; JOUBERT-BOLTSHAUSER SYNDROME. Identifiers: Orphanet 475, MedGen C5979921, MONDO:0018772.
INPP5E-related disorder. Also called: INPP5E-related condition.

Allele frequency attached by ClinVar (database versions not stated): TOPMed below 0.00001; gnomAD exomes 0.00001 and 0.00003; gnomAD 0.00002; ExAC 0.00003.
gnomAD v4.1: 10 of 1,613,708 alleles (0.00062%); highest among the groups gnomAD compares: Admixed American, 0.0067%; no homozygotes.

Submissions (4):

CeGaT Center for Human Genetics Tuebingen
Classification: Likely benign. Last evaluated: 2026-03-01. Review status: criteria provided, single submitter. Criteria: CeGaT Center For Human Genetics Tuebingen Variant Classification Criteria Version 2. Collection method: clinical testing. Allele origin: germline. Affected: yes. Observed: 1 variant allele.
Comment: INPP5E: BP4, BP7

Labcorp Genetics (formerly Invitae), Labcorp
Classification: Likely benign for Joubert syndrome. Last evaluated: 2025-10-05. Review status: criteria provided, single submitter. Criteria: Invitae Variant Classification Sherloc (09022015). Collection method: clinical testing. Allele origin: germline.

Blueprint Genetics
Classification: Likely benign. Last evaluated: 2023-11-07. Review status: criteria provided, single submitter. Criteria: ACMG Guidelines, 2015. Collection method: clinical testing. Allele origin: germline.

PreventionGenetics, part of Exact Sciences
Classification: Likely benign for INPP5E-related condition. Last evaluated: 2021-11-15. Review status: no assertion criteria provided. Collection method: clinical testing. Allele origin: germline. Not counted in ClinVar's aggregate classification.
Comment: This variant is classified as likely benign based on ACMG/AMP sequence variant interpretation guidelines (Richards et al. 2015 PMID: 25741868, with internal and published modifications).

NM_019892.6(INPP5E):c.1224C>T (p.Gly408=)

Gene: INPP5E (inositol polyphosphate-5-phosphatase E; minus strand). Cytogenetic location: 9q34.3.
Variant type: single nucleotide variant.
Coding change: c.1224C>T on transcript NM_019892.6 (MANE Select); coding-DNA position 1224, C replaced by T.
Protein change: p.Gly408=; no amino-acid change (glycine 408 retained).
Molecular consequence: synonymous variant.
Genome position (GRCh38, 1-based): chr9:136,433,011, G>A on the plus strand (C>T on the coding strand, the complement: INPP5E is on the minus strand). VCF-style: chr9-136433011-G-A. GRCh37 (hg19) VCF-style: chr9-139327463-G-A.
Other names: c.1224C>T (NM_019892.5); c.1224C>T, p.Gly408= (NM_001318502.2).
Identifiers: ClinVar variation 952698 (VCV000952698.17), dbSNP rs769914491, ClinGen allele CA5336874.